The following is an entry in ClinVar:

ClinVar aggregate classification (germline): Likely pathogenic. Review status: reviewed by expert panel (3 of 4 stars). 3 submissions from 3 submitters: Likely pathogenic (1). 2 of the submissions do not count toward it. Last evaluated 2024-09-11.

Conditions:
Deficiency of guanidinoacetate methyltransferase (CCDS2). Also called: CEREBRAL CREATINE DEFICIENCY SYNDROME 2; GAMT DEFICIENCY; Guanidinoacetate Methyltransferase (GAMT) Deficiency. Identifiers: Orphanet 382, MedGen C0574080, MONDO:0012999, OMIM 612736.

Allele frequency attached by ClinVar (database versions not stated): gnomAD exomes below 0.00001.
gnomAD v4.1: 2 of 1,597,424 alleles (0.00013%); highest among the groups gnomAD compares: Non-Finnish European, 0.00017%; no homozygotes.

Submissions (3):

ClinGen Cerebral Creatine Deficiency Syndromes Variant Curation Expert Panel, ClinGen
Classification: Likely pathogenic for Deficiency of guanidinoacetate methyltransferase. Last evaluated: 2024-09-11. Review status: reviewed by expert panel. Criteria: ClinGen CCDS ACMG Specifications GAMT V2.0.0. Collection method: curation. Allele origin: germline. Inheritance: Autosomal recessive inheritance.
Comment: The NM_000156.6:c.274A>G variant in GAMT is a missense variant predicted to cause the substitution of an asparagine by an aspartate at amino acid position 92 (p.Asn92Asp). This variant has been previously reported in one individual with elevated urine guanidinoacetate and low urine creatine (PP4) who was homozygous for the variant (PMID: 19288536, 24415674, 33996490) (PM3_Supporting). The highest population minor allele frequency in gnomAD v4.1.0. is 0.000001705 (2/1172782 alleles; no homozygotes) in the European non-Finnish population, which is lower than the ClinGen CCDS VCEP’s threshold for PM2_Supporting (<0.0004), meeting this criterion (PM2_Supporting). The computational predictor REVEL gives a score of 0.92, evidence that correlates with impact to GAMT function (PP3_Moderate applied for REVEL score range 0.773-0.932). This variant was shown to result in <15% GAMT enzymatic activity when transfected into GAMT-deficient fibroblasts (PMID: 24415674) (PS3_Supporting). There is a ClinVar entry for this variant (Variation ID: 2446453). In summary, this variant meets the criteria to be classified as likely pathogenic for GAMT deficiency based on the ACMG/AMP criteria applied, as specified by the ClinGen Cerebral Creatine Deficiency Syndromes Variant Curation Expert Panel (Specifications Version 2.0.0): PS3_Supporting, PM2_Supporting, PM3_Supporting, PP3_Moderate, PP4. (Classification approved by the ClinGen Creatine Deficiency Syndromes Variant Curation Expert Panel on September 11, 2024).

Fulgent Genetics
Classification: Likely pathogenic for Deficiency of guanidinoacetate methyltransferase. Last evaluated: 2024-01-03. Review status: criteria provided, single submitter. Criteria: ACMG Guidelines, 2015. Collection method: clinical testing. Allele origin: germline. Not counted in ClinVar's aggregate classification.

Blueprint Genetics
Classification: Uncertain significance. Last evaluated: 2022-06-17. Review status: criteria provided, single submitter. Criteria: ACMG Guidelines, 2015. Collection method: clinical testing. Allele origin: germline. Not counted in ClinVar's aggregate classification.

Literature cited by the submitters: PubMed 24415674 (cited by ClinGen Cerebral Creatine Deficiency Syndromes Variant Curation Expert Panel, ClinGen).

NM_000156.6(GAMT):c.274A>G (p.Asn92Asp)

Gene: GAMT (guanidinoacetate N-methyltransferase; minus strand). Cytogenetic location: 19p13.3.
Variant type: single nucleotide variant.
Coding change: c.274A>G on transcript NM_000156.6 (MANE Select); coding-DNA position 274, A replaced by G.
Protein change: p.Asn92Asp; replaces asparagine 92 with aspartic acid.
Molecular consequence: missense variant.
Genome position (GRCh38, 1-based): chr19:1,399,846, T>C on the plus strand (A>G on the coding strand, the complement: GAMT is on the minus strand). VCF-style: chr19-1399846-T-C. GRCh37 (hg19) VCF-style: chr19-1399845-T-C.
Other names: NM_138924.3:c.274A>G; c.274A>G, p.Asn92Asp (NM_138924.3); short protein forms N92D.
Identifiers: ClinVar variation 2446453 (VCV002446453.6), dbSNP rs2512226322, ClinGen allele CA402996427.